The following is an entry in ClinVar:

ClinVar aggregate classification (germline): Pathogenic. Review status: criteria provided, multiple submitters, no conflicts (2 of 4 stars). 2 submissions from 2 submitters: Pathogenic (2). Last evaluated 2024-04-07.

Conditions:
Hereditary cancer-predisposing syndrome. Also called: Neoplastic Syndromes, Hereditary; Hereditary Cancer Syndrome; Tumor predisposition; Hereditary neoplastic syndrome. Identifiers: Orphanet 140162, MedGen C0027672, MeSH D009386, MONDO:0015356.
Ataxia-telangiectasia syndrome (AT). Also called: Ataxia-telangiectasia, complementation group D; AT, COMPLEMENTATION GROUP C; Ataxia-telangiectasia; ATAXIA-TELANGIECTASIA, COMPLEMENTATION GROUP A; ATAXIA-TELANGIECTASIA, FRESNO VARIANT; Ataxia-telangiectasia, complementation group E. Identifiers: Orphanet 100, MedGen C0004135, MONDO:0008840, OMIM 208900.

Submissions (2):

Labcorp Genetics (formerly Invitae), Labcorp
Classification: Pathogenic for Ataxia-telangiectasia syndrome. Last evaluated: 2024-04-07. Review status: criteria provided, single submitter. Criteria: Invitae Variant Classification Sherloc (09022015). Collection method: clinical testing. Allele origin: germline.
Comment: This sequence change replaces aspartic acid, which is acidic and polar, with glutamic acid, which is acidic and polar, at codon 2708 of the ATM protein (p.Asp2708Glu). This variant is not present in population databases (gnomAD no frequency). This missense change has been observed in individuals with ataxia-telangiectasia (PMID: 16411093, 22071889). ClinVar contains an entry for this variant (Variation ID: 141760). An algorithm developed to predict the effect of missense changes on protein structure and function (PolyPhen-2) suggests that this variant is likely to be disruptive. Experimental studies have shown that this missense change affects ATM function (PMID: 22071889). This variant disrupts the p.Asp2708 amino acid residue in ATM. Other variant(s) that disrupt this residue have been determined to be pathogenic (PMID: 16941484, 21665257, 21792198, 22071889, 23454770, 23632773, 27913932, 29909963). This suggests that this residue is clinically significant, and that variants that disrupt this residue are likely to be disease-causing. For these reasons, this variant has been classified as Pathogenic.

Ambry Genetics
Classification: Pathogenic for Hereditary cancer-predisposing syndrome. Last evaluated: 2019-08-21. Review status: criteria provided, single submitter. Criteria: Ambry Variant Classification Scheme 2023. Collection method: clinical testing. Allele origin: germline.
Comment: The p.D2708E pathogenic mutation (also known as c.8124T>A) is located in coding exon 54 of the ATM gene. This alteration results from a T to A substitution at nucleotide position 8124. The aspartic acid at codon 2708 is replaced by glutamic acid, an amino acid with highly similar properties. This alteration occurs 3 codons upstream of the critical PI3-kinase functional domain and has been reported homozygous in two patients with ataxia-telengiectasia (A-T) (Heinrich T et al. Eur. J. Pediatr. 2006; 165:250-7; Bisgin A et al. Biomed Res Int 2018 May;2018:9647253). This alteration has also been reported in conjunction with a frameshift ATM mutation in another individual with A-T (Micol R et al. J. Allergy Clin. Immunol. 2011 Aug;128(2):382-9.e1; Jacquemin V et al. Eur. J. Hum. Genet. 2012; 20:305-12). In addition, a disease-causing mutation, p.D2708N, has been described at the same codon (Micol R et al. J. Allergy Clin. Immunol. 2011;128(2):382-9; Cavalieri S et al. Ann. Hum. Genet. 2008;72(Pt 1):10-8; Magliozzi M et al. Dis. Markers 2006; 22(4):257-64; Barone G et al. Hum. Mutat. 2009;30(8):1222-30). Functional analyses of p.D2708E and p.D2708N, have demonstrated significant ATM protein underexpression and mislocalization (Jacquemin V et al. Eur. J. Hum. Genet. 2012; 20:305-12). This amino acid position is highly conserved in available vertebrate species. In addition, this alteration is predicted to be deleterious by in silico analysis. Based on the supporting evidence, this alteration is interpreted as a disease-causing mutation.

Literature cited by the submitters: PubMed 16411093 (cited by Labcorp Genetics (formerly Invitae), Labcorp and Ambry Genetics); PubMed 22071889 (cited by Labcorp Genetics (formerly Invitae), Labcorp and Ambry Genetics); PubMed 16941484 (cited by Labcorp Genetics (formerly Invitae), Labcorp); PubMed 21665257 (cited by Labcorp Genetics (formerly Invitae), Labcorp); PubMed 21792198 (cited by Labcorp Genetics (formerly Invitae), Labcorp); PubMed 23454770 (cited by Labcorp Genetics (formerly Invitae), Labcorp); PubMed 23632773 (cited by Labcorp Genetics (formerly Invitae), Labcorp); PubMed 27913932 (cited by Labcorp Genetics (formerly Invitae), Labcorp); PubMed 29909963 (cited by Labcorp Genetics (formerly Invitae), Labcorp); PubMed 29888287 (cited by Ambry Genetics).

NM_000051.4(ATM):c.8124T>A (p.Asp2708Glu)

Genes: ATM (ATM serine/threonine kinase; plus strand), C11orf65 (chromosome 11 open reading frame 65; minus strand). Cytogenetic location: 11q22.3.
Variant type: single nucleotide variant.
Coding change: c.8124T>A on transcript NM_000051.4 (MANE Select); coding-DNA position 8124, T replaced by A.
Protein change: p.Asp2708Glu; replaces aspartic acid 2708 with glutamic acid.
Molecular consequence: missense variant. On other transcripts: intron variant (2).
Genome position (GRCh38, 1-based): chr11:108,335,082, T>A. VCF-style: chr11-108335082-T-A. GRCh37 (hg19) VCF-style: chr11-108205809-T-A.
Other names: c.8124T>A, p.Asp2708Glu (NM_001351834.2); c.641-26011A>T (NM_001330368.2); c.*38+138A>T (NM_001351110.2); short protein forms D2708E.
Identifiers: ClinVar variation 141760 (VCV000141760.15), dbSNP rs587781990, ClinGen allele CA166315.